The following is an entry in ClinVar:

ClinVar aggregate classification (germline): Uncertain significance (1 of 4 stars; one submission).

Submission:

Dasa
Classification: Uncertain significance. Last evaluated: 2025-07-10. Review status: criteria provided, single submitter. Criteria: DASA Assertion Criteria. Collection method: clinical testing. Allele origin: germline.
Comment: NM_006035.4(CDC42BPB):c.268-10T>C is a splice-region variant. This variant is absent from population databases. Computational prediction algorithms are consistent with a benign effect. The currently available literature and clinical evidence are not sufficient to establish a definitive association between this variant and the reported condition. Therefore, this variant is classified as a variant of uncertain significance.

NM_006035.4(CDC42BPB):c.268-10T>C

Gene: CDC42BPB (CDC42 binding protein kinase beta; minus strand). Cytogenetic location: 14q32.32.
Variant type: single nucleotide variant.
Coding change: c.268-10T>C on transcript NM_006035.4 (MANE Select); 10 bases into the intron before coding-DNA position 268, T replaced by C.
Molecular consequence: intron variant.
Genome position (GRCh38, 1-based): chr14:103,008,565, A>G on the plus strand (T>C on the coding strand, the complement: CDC42BPB is on the minus strand). VCF-style: chr14-103008565-A-G. GRCh37 (hg19) VCF-style: chr14-103474902-A-G.
Other names: c.268-10T>C (NM_001411054.1).
Identifiers: ClinVar variation 4882938 (VCV004882938.2).
Genomic context (GRCh38, chr14:103,008,565, plus strand): 5'-GATTTTCATTGCATAAATTCGTTCAGTATTCTTCATTTTGACAACAGCAACCTGCAGTGC[A>G]AATGTGAGTTGAACAAAGATGCGGTTCTTGAACAAAAGGCTAGCACGCTGGAGCTAAACT-3'